The following is an entry in ClinVar:

ClinVar aggregate classification (germline): Likely benign (0 of 4 stars; one submission).

Conditions:
PKD1-related disorder. Also called: PKD1-related condition.

Allele frequency attached by ClinVar (database versions not stated): gnomAD exomes 0.00002.

Submission:

PreventionGenetics, part of Exact Sciences
Classification: Likely benign for PKD1-related condition. Last evaluated: 2023-11-13. Review status: no assertion criteria provided. Collection method: clinical testing. Allele origin: germline.
Comment: This variant is classified as likely benign based on ACMG/AMP sequence variant interpretation guidelines (Richards et al. 2015 PMID: 25741868, with internal and published modifications).

NM_001009944.3(PKD1):c.12003+37dup

Gene: PKD1 (polycystin 1, transient receptor potential channel interacting; minus strand). Cytogenetic location: 16p13.3.
Variant type: Duplication.
Coding change: c.12003+37dup on transcript NM_001009944.3 (MANE Select); 37 bases into the intron after coding-DNA position 12003, one base duplicated (C; older notation c.12003+37dupC).
Molecular consequence: intron variant.
Genome position (GRCh38, 1-based): chr16:2,090,847, G duplicated on the plus strand (C on the coding strand, the reverse complement: PKD1 is on the minus strand). VCF-style (leftmost placement, unchanged base first): chr16-2090846-T-TG. GRCh37 (hg19) VCF-style: chr16-2140847-T-TG.
Other names: c.12000+37dup (NM_000296.4).
Identifiers: ClinVar variation 3031139 (VCV003031139.2), dbSNP rs1446226973, ClinGen allele CA620705181.